The following is an entry in ClinVar:

ClinVar aggregate classification (germline): Uncertain significance. Review status: criteria provided, multiple submitters, no conflicts (2 of 4 stars). 2 submissions from 2 submitters: Uncertain significance (2). Last evaluated 2025-03-18.

Conditions:
VPS13B-related disorder. Also called: VPS13B-related condition.
Cohen syndrome (COH1). Also called: PEPPER SYNDROME; Cutis verticis gyrata, retinitis pigmentosa, and sensorineural deafness. Identifiers: Orphanet 193, MedGen C0265223, MONDO:0008999, OMIM 216550.

Allele frequency attached by ClinVar (database versions not stated): gnomAD exomes below 0.00001; TOPMed below 0.00001.
gnomAD v4.1: 1 of 1,614,086 alleles (0.000062%); highest among the groups gnomAD compares: Non-Finnish European, 0.000085%; no homozygotes.

Submissions (2):

PreventionGenetics, part of Exact Sciences
Classification: Uncertain significance for VPS13B-related condition. Last evaluated: 2025-03-18. Review status: criteria provided, single submitter. Criteria: ACMG Guidelines, 2015. Collection method: clinical testing. Allele origin: germline.
Comment: The VPS13B c.8414T>C variant is predicted to result in the amino acid substitution p.Leu2805Ser. To our knowledge, this variant has not been reported in the literature or in a large population database (gnomAD), indicating it is rare. At this time, the clinical significance of this variant is uncertain due to the absence of conclusive functional and genetic evidence.

Labcorp Genetics (formerly Invitae), Labcorp
Classification: Uncertain significance for Cohen syndrome. Last evaluated: 2022-06-10. Review status: criteria provided, single submitter. Criteria: Invitae Variant Classification Sherloc (09022015). Collection method: clinical testing. Allele origin: germline.
Comment: This sequence change replaces leucine, which is neutral and non-polar, with serine, which is neutral and polar, at codon 2830 of the VPS13B protein (p.Leu2830Ser). This variant is not present in population databases (gnomAD no frequency). This variant has not been reported in the literature in individuals affected with VPS13B-related conditions. Algorithms developed to predict the effect of missense changes on protein structure and function are either unavailable or do not agree on the potential impact of this missense change (SIFT: "Not Available"; PolyPhen-2: "Possibly Damaging"; Align-GVGD: "Not Available"). In summary, the available evidence is currently insufficient to determine the role of this variant in disease. Therefore, it has been classified as a Variant of Uncertain Significance.

NM_152564.5(VPS13B):c.8414T>C (p.Leu2805Ser)

Gene: VPS13B (vacuolar protein sorting 13 homolog B; plus strand). Cytogenetic location: 8q22.2.
Variant type: single nucleotide variant.
Coding change: c.8414T>C on transcript NM_152564.5 (MANE Select); coding-DNA position 8414, T replaced by C.
Protein change: p.Leu2805Ser; replaces leucine 2805 with serine.
Molecular consequence: missense variant.
Genome position (GRCh38, 1-based): chr8:99,818,503, T>C. VCF-style: chr8-99818503-T-C. GRCh37 (hg19) VCF-style: chr8-100830731-T-C.
Other names: c.8489T>C, p.Leu2830Ser (NM_017890.5); short protein forms L2830S, L2805S.
Identifiers: ClinVar variation 2188949 (VCV002188949.6), dbSNP rs1814174083, ClinGen allele CA371773769.